The following continues an entry in ClinVar:

NM_000059.4(BRCA2):c.1296_1297del (p.Asn433fs)

Gene: BRCA2. ClinVar aggregate classification (germline): Pathogenic. Pathogenic (1).

Submissions 12 to 25 of 25:

CeGaT Center for Human Genetics Tuebingen
Classification: Pathogenic. Last evaluated: 2023-08-01. Review status: criteria provided, single submitter. Criteria: CeGaT Center For Human Genetics Tuebingen Variant Classification Criteria Version 2. Collection method: clinical testing. Allele origin: germline. Affected: yes. Observed: 3 variant alleles. Not counted in ClinVar's aggregate classification.
Comment: BRCA2: PVS1, PM2, PS4:Moderate

Quest Diagnostics Nichols Institute San Juan Capistrano
Classification: Pathogenic. Last evaluated: 2023-07-17. Review status: criteria provided, single submitter. Criteria: Quest Diagnostics criteria. Collection method: clinical testing. Allele origin: unknown. Not counted in ClinVar's aggregate classification.
Comment: The BRCA2 c.1296_1297del (p.Asn433Glnfs*18) variant alters the translational reading frame of the BRCA2 mRNA and causes the premature termination of BRCA2 protein synthesis. This variant has been reported in the published literature in individuals with breast and/or ovarian cancer (PMIDs: 32393398 (2020), 32438681 (2020), 25682074 (2015)). This variant has not been reported in large, multi-ethnic general populations (Genome Aggregation Database). Based on the available information, this variant is classified as pathogenic.

Institute for Clinical Genetics, University Hospital TU Dresden, University Hospital TU Dresden
Classification: Pathogenic. Last evaluated: 2021-11-03. Review status: criteria provided, single submitter. Criteria: ACMG Guidelines, 2015. Collection method: clinical testing. Allele origin: germline. Not counted in ClinVar's aggregate classification.

Institute of Medical Genetics and Applied Genomics, University Hospital Tübingen
Classification: Pathogenic. Last evaluated: 2020-10-23. Review status: criteria provided, single submitter. Criteria: ACMG Guidelines, 2015. Collection method: clinical testing. Allele origin: germline. Inheritance: Autosomal unknown. Affected: yes. Not counted in ClinVar's aggregate classification.

Women's Health and Genetics/Laboratory Corporation of America, LabCorp
Classification: Pathogenic for Hereditary breast and ovarian cancer syndrome. Last evaluated: 2018-07-11. Review status: criteria provided, single submitter. Criteria: LabCorp Variant Classification Summary - May 2015. Collection method: clinical testing. Allele origin: germline. Not counted in ClinVar's aggregate classification.
Comment: Variant summary: BRCA2 c.1296_1297delGA (p.Asn433GlnfsX18) results in a premature termination codon, predicted to cause a truncation of the encoded protein or absence of the protein due to nonsense mediated decay, which are commonly known mechanisms for disease. The variant was absent in 120444 control chromosomes (ExAC). The variant, c.1296_1297delGA, has been reported in the literature in individuals affected with either sporadic or Hereditary Breast and Ovarian Cancer (Wong-Brown 2015, Pritzlaff 2017, Meisel 2017, Lang 2017). These data indicate that the variant is likely to be associated with disease. To our knowledge, no experimental evidence demonstrating an impact on protein function has been reported. Nine clinical diagnostic laboratories have submitted clinical-significance assessments for this variant to ClinVar after 2014 without evidence for independent evaluation; 8 laboratories classified the variant as pathogenic, and 1 as likely pathogenic. Based on the evidence outlined above, the variant was classified as pathogenic.

Consortium of Investigators of Modifiers of BRCA1/2 (CIMBA), c/o University of Cambridge
Classification: Pathogenic for Breast-ovarian cancer, familial, susceptibility to, 2. Last evaluated: 2015-10-02. Review status: criteria provided, single submitter. Criteria: CIMBA Mutation Classification guidelines May 2016. Collection method: clinical testing. Allele origin: germline. Not counted in ClinVar's aggregate classification.

Clinical Genetics DNA and cytogenetics Diagnostics Lab, Erasmus MC, Erasmus Medical Center
Classification: Pathogenic for Breast-ovarian cancer, familial, susceptibility to, 2. Last evaluated: 2015-09-21. Review status: criteria provided, single submitter. Criteria: ACGS Guidelines, 2013. Collection method: clinical testing. Allele origin: germline. Affected: yes. Study: VKGL Data-share Consensus. Not counted in ClinVar's aggregate classification.

Department of Medical Genetics, Oslo University Hospital
Classification: Pathogenic for Breast-ovarian cancer, familial, susceptibility to, 2. Last evaluated: 2015-07-01. Review status: criteria provided, single submitter. Criteria: ACMG Guidelines, 2015. Collection method: clinical testing. Allele origin: germline. Affected: yes. Observed: 1 variant allele. Not counted in ClinVar's aggregate classification.

BRCAlab, Lund University
Classification: Pathogenic for Breast-ovarian cancer, familial, susceptibility to, 2. Last evaluated: 2020-03-02. Review status: no assertion criteria provided. Collection method: clinical testing. Allele origin: germline. Affected: yes. Not counted in ClinVar's aggregate classification.

Counsyl
Classification: Likely pathogenic for Breast-ovarian cancer, familial, susceptibility to, 2. Last evaluated: 2015-11-21. Review status: no assertion criteria provided. Collection method: clinical testing. Allele origin: unknown. Not counted in ClinVar's aggregate classification.

Sharing Clinical Reports Project (SCRP)
Classification: Pathogenic for Breast-ovarian cancer, familial 2. Last evaluated: 2010-10-18. Review status: no assertion criteria provided. Collection method: clinical testing. Allele origin: germline. Not counted in ClinVar's aggregate classification.

Breast Cancer Information Core (BIC) (BRCA2)
Classification: Pathogenic for Breast-ovarian cancer, familial 2. Last evaluated: 2004-02-20. Review status: no assertion criteria provided. Collection method: clinical testing. Allele origin: germline. Affected: yes. Observed: 3 variant alleles. Not counted in ClinVar's aggregate classification.

Department of Pathology and Laboratory Medicine, Sinai Health System
Classification: Pathogenic for Malignant tumor of breast. Review status: no assertion criteria provided. Collection method: clinical testing. Allele origin: unknown. Affected: yes. Study: The Canadian Open Genetics Repository (COGR). Not counted in ClinVar's aggregate classification.
Comment: The BRCA2 p.Asn433GlnfsX18 variant was identified in 2 of 5484 proband chromosomes (frequency: 0.00036) from individuals or families with male breast cancer (Pritzlaff_2016_28008555), triple negative breast cancer (Wong-Brown_2015_25682074), and Lynch syndrome (Yurgelun_2017_28135145). The variant was also identified in dbSNP (ID: rs80359276) as â€šÃ„ÃºWith Pathogenic alleleâ€šÃ„Ã¹, ClinVar (as pathogenic reviewed by expert panel), Clinvitae (5x as [pathogenic), LOVD 3.0 (7x), UMD-LSDB (2x as causal), BIC Database (3x as pathogenic), and ARUP Laboratories (as definitely pathogenic) databases. The variant was not identified in Cosmic, MutDB, or Zhejiang Colon Cancer Database. The variant was not identified in the following control databases: the 1000 Genomes Project, the NHLBI GO Exome Sequencing Project, the Exome Aggregation Consortium (August 8th 2016), or the Genome Aggregation Database (Feb 27, 2017). The p.Asn433GlnfsX18 variant is predicted to cause a frameshift, which alters the protein's amino acid sequence beginning at codon 433 and leads to a premature stop codon at position 450. This alteration is then predicted to result in a truncated or absent protein and loss of function. Loss of function variants of the BRCA2 gene are an established mechanism of disease in hereditary breast and ovarian cancer and is the type of variant expected to cause the disorder. In summary, based on the above information this variant meets our laboratoryâ€šÃ„Ã´s criteria to be classified as pathogenic.

Diagnostic Laboratory, Department of Genetics, University Medical Center Groningen
Classification: Pathogenic for Breast-ovarian cancer, familial, susceptibility to, 2. Review status: no assertion criteria provided. Collection method: clinical testing. Allele origin: germline. Affected: yes. Study: VKGL Data-share Consensus. Not counted in ClinVar's aggregate classification.

Literature cited by the submitters: PubMed 20104584 (cited by Labcorp Genetics (formerly Invitae), Labcorp and GeneKor MSA); PubMed 25682074 (cited by 6 submitters); PubMed 25980754 (cited by 4 submitters); PubMed 28008555 (cited by 4 submitters); PubMed 16199546 (cited by Dasa); PubMed 17063271 (cited by Dasa); PubMed 25632310 (cited by Dasa); PubMed 28324225 (cited by 3 submitters); PubMed 29339979 (cited by Ambry Genetics and Quest Diagnostics Nichols Institute San Juan Capistrano); PubMed 32393398 (cited by GeneKor MSA and Quest Diagnostics Nichols Institute San Juan Capistrano); PubMed 32438681 (cited by GeneKor MSA and Quest Diagnostics Nichols Institute San Juan Capistrano); PubMed 26295337 (cited by Quest Diagnostics Nichols Institute San Juan Capistrano); PubMed 28294317 (cited by Women's Health and Genetics/Laboratory Corporation of America, LabCorp).